The following is an entry in ClinVar:

NM_000368.5(TSC1):c.1048T>C (p.Ser350Pro)

Gene: TSC1 (TSC complex subunit 1; minus strand). Cytogenetic location: 9q34.13.
Variant type: single nucleotide variant.
Coding change: c.1048T>C on transcript NM_000368.5 (MANE Select); coding-DNA position 1048, T replaced by C.
Protein change: p.Ser350Pro; replaces serine 350 with proline.
Molecular consequence: missense variant. On other transcripts: non-coding transcript variant (5), 5 prime UTR variant (2).
Genome position (GRCh38, 1-based): chr9:132,911,095, A>G on the plus strand (T>C on the coding strand, the complement: TSC1 is on the minus strand). VCF-style: chr9-132911095-A-G. GRCh37 (hg19) VCF-style: chr9-135786482-A-G.
Other names: c.685T>C, p.Ser229Pro (NM_001406621.1, NM_001406622.1, NM_001406623.1 and 10 more transcripts); c.97T>C, p.Ser33Pro (NM_001406626.1, NM_001406627.1, NM_001406628.1); c.-3T>C (NM_001406629.1, NM_001406630.1); c.1048T>C, p.Ser350Pro (NM_001162426.2, NM_001406592.1, NM_001406593.1 and 16 more transcripts); c.895T>C, p.Ser299Pro (NM_001162427.2, NM_001406610.1, NM_001406611.1 and 2 more transcripts); short protein forms S229P, S299P, S33P, S350P.
Identifiers: ClinVar variation 3075320 (VCV003075320.3), dbSNP rs2131963767, ClinGen allele CA375367825.
Genomic context (GRCh38, chr9:132,911,095, plus strand): 5'-ACAGATCAGGTGGGACATTTCCAGGAGAAGTTGGAGGAGTGGTCATACCACAAACCATAG[A>G]TGGGCTCCAAAGAGTAGCCTGGGAAGTTAATAAAGTACATCAGCAGTGGCAAAGGAATGC-3'
Protein context (NP_000359.1, residues 340-360): EPPQATLWSP[Ser350Pro]MVCGMTTPPT

ClinVar aggregate classification (germline): Uncertain significance. Review status: criteria provided, multiple submitters, no conflicts (2 of 4 stars). 2 submissions from 2 submitters: Uncertain significance (2). Last evaluated 2026-05-14.

Conditions:
Hereditary cancer-predisposing syndrome. Also called: Tumor predisposition; Hereditary neoplastic syndrome; Neoplastic Syndromes, Hereditary; Hereditary Cancer Syndrome. Identifiers: Orphanet 140162, MedGen C0027672, MeSH D009386, MONDO:0015356.
Tuberous sclerosis syndrome (TSC). Also called: Tuberous Sclerosis Complex; Tuberous sclerosis. Identifiers: Orphanet 805, MedGen C0041341, MONDO:0001734.

Submissions (2):

Ambry Genetics
Classification: Uncertain significance for Hereditary cancer-predisposing syndrome. Last evaluated: 2026-05-14. Review status: criteria provided, single submitter. Criteria: Ambry Variant Classification Scheme 2023. Collection method: clinical testing. Allele origin: germline.
Comment: The p.S350P variant (also known as c.1048T>C), located in coding exon 9 of the TSC1 gene, results from a T to C substitution at nucleotide position 1048. The serine at codon 350 is replaced by proline, an amino acid with similar properties. This amino acid position is well conserved in available vertebrate species. In addition, this alteration is predicted to be deleterious by in silico analysis. Based on the available evidence, the clinical significance of this variant remains unclear.

All of Us Research Program, National Institutes of Health
Classification: Uncertain significance for Tuberous sclerosis syndrome. Last evaluated: 2024-01-11. Review status: criteria provided, single submitter. Criteria: ACMG Guidelines, 2015. Collection method: clinical testing. Allele origin: germline. Inheritance: Autosomal dominant inheritance. Observed: 1 variant allele, 1 heterozygote.
Comment: This study involves interpretation of variants in research participants for the purpose of population health screening. Participant phenotype was not available at the time of variant classification. Additional details can be found in publication PMID: 35346344, PMCID: PMC8962531